The following is an entry in ClinVar:

NM_001005242.3(PKP2):c.1035-9T>C

Gene: PKP2 (plakophilin 2; minus strand). Cytogenetic location: 12p11.21.
Variant type: single nucleotide variant.
Coding change: c.1035-9T>C on transcript NM_001005242.3 (MANE Select); 9 bases into the intron before coding-DNA position 1035, T replaced by C.
Molecular consequence: intron variant.
Genome position (GRCh38, 1-based): chr12:32,869,071, A>G on the plus strand (T>C on the coding strand, the complement: PKP2 is on the minus strand). VCF-style: chr12-32869071-A-G. GRCh37 (hg19) VCF-style: chr12-33022005-A-G.
Other names: c.1035-9T>C (NM_004572.4).
Identifiers: ClinVar variation 387177 (VCV000387177.15), dbSNP rs1057522716, ClinGen allele CA16606263.

ClinVar aggregate classification (germline): Likely benign. Review status: criteria provided, multiple submitters, no conflicts (2 of 4 stars). 4 submissions from 4 submitters: Likely benign (4). Last evaluated 2025-09-07.

Conditions:
Arrhythmogenic right ventricular cardiomyopathy (ARVD). Also called: Cardiomyopathy, ARVC; Arrhythmogenic right ventricular dysplasia; Arrhythmogenic cardiomyopathy; Arrhythmogenic Right Ventricular Cardiomyopathy (ARVC). Identifiers: Orphanet 247, MedGen C0349788, MeSH D019571, MONDO:0016587. Disease mechanism: loss of function. Inheritance: Various modes of inheritance.
Cardiomyopathy (CMYO). Also called: Cardiomyopathies. Identifiers: Orphanet 167848, MedGen C0878544, MONDO:0004994, HP:0001638. Inheritance: Various modes of inheritance.
Arrhythmogenic right ventricular dysplasia 9 (ARVD9). Also called: Arrhythmogenic Right Ventricular Dysplasia/Cardiomyopathy 9; ARRHYTHMOGENIC RIGHT VENTRICULAR DYSPLASIA, FAMILIAL, 9. Identifiers: MedGen C1836906, MONDO:0012180, OMIM 609040.

Allele frequency attached by ClinVar (database versions not stated): gnomAD 0.00001; gnomAD exomes 0.00001; TOPMed 0.00002.
gnomAD v4.1: 19 of 1,613,606 alleles (0.0012%); highest among the groups gnomAD compares: Non-Finnish European, 0.0015%; no homozygotes.

Submissions (4):

Labcorp Genetics (formerly Invitae), Labcorp
Classification: Likely benign for Arrhythmogenic right ventricular dysplasia 9. Last evaluated: 2025-09-07. Review status: criteria provided, single submitter. Criteria: Invitae Variant Classification Sherloc (09022015). Collection method: clinical testing. Allele origin: germline.

All of Us Research Program, National Institutes of Health
Classification: Likely benign for Arrhythmogenic right ventricular cardiomyopathy. Last evaluated: 2023-10-30. Review status: criteria provided, single submitter. Criteria: ACMG Guidelines, 2015. Collection method: clinical testing. Allele origin: germline. Inheritance: Autosomal dominant inheritance. Observed: 5 variant alleles, 5 heterozygotes.
Comment: This study involves interpretation of variants in research participants for the purpose of population health screening. Participant phenotype was not available at the time of variant classification. Additional details can be found in publication PMID: 35346344, PMCID: PMC8962531

GeneDx
Classification: Likely benign. Last evaluated: 2021-01-26. Review status: criteria provided, single submitter. Criteria: GeneDx Variant Classification Process June 2021. Collection method: clinical testing. Allele origin: germline. Affected: yes.

Color Diagnostics, LLC DBA Color Health
Classification: Likely benign for Cardiomyopathy. Last evaluated: 2019-04-28. Review status: criteria provided, single submitter. Criteria: ACMG Guidelines, 2015. Collection method: clinical testing. Allele origin: germline.